The following is an entry in ClinVar:

NM_001375405.1(CEP120):c.191C>T (p.Ala64Val)

Gene: CEP120 (centrosomal protein 120; minus strand). Cytogenetic location: 5q23.2.
Variant type: single nucleotide variant.
Coding change: c.191C>T on transcript NM_001375405.1 (MANE Select); coding-DNA position 191, C replaced by T.
Protein change: p.Ala64Val; replaces alanine 64 with valine.
Molecular consequence: missense variant. On other transcripts: 5 prime UTR variant (2), non-coding transcript variant (1).
Genome position (GRCh38, 1-based): chr5:123,418,374, G>A on the plus strand (C>T on the coding strand, the complement: CEP120 is on the minus strand). VCF-style: chr5-123418374-G-A. GRCh37 (hg19) VCF-style: chr5-122754068-G-A.
Other names: c.113C>T, p.Ala38Val (NM_001166226.2); c.191C>T, p.Ala64Val (NM_001375406.1, NM_001375407.1, NM_153223.4); c.-558C>T (NM_001375408.1); c.-500C>T (NM_001375409.1); short protein forms A38V, A64V.
Identifiers: ClinVar variation 2918028 (VCV002918028.3), dbSNP rs771158452, ClinGen allele CA3387326.

ClinVar aggregate classification (germline): Uncertain significance (1 of 4 stars; one submission).

Conditions:
Short-rib thoracic dysplasia 13 with or without polydactyly (SRTD13). Identifiers: Orphanet 474, MedGen C4225378, MONDO:0014577, OMIM 616300.

Allele frequency attached by ClinVar (database versions not stated): ExAC 0.00002; TOPMed 0.00002; gnomAD 0.00004.
gnomAD v4.1: 15 of 1,602,272 alleles (0.00094%); highest among the groups gnomAD compares: African/African-American, 0.008%; no homozygotes.

Submission:

Labcorp Genetics (formerly Invitae), Labcorp
Classification: Uncertain significance for Short-rib thoracic dysplasia 13 with or without polydactyly. Last evaluated: 2023-07-18. Review status: criteria provided, single submitter. Criteria: Invitae Variant Classification Sherloc (09022015). Collection method: clinical testing. Allele origin: germline.
Comment: This sequence change replaces alanine, which is neutral and non-polar, with valine, which is neutral and non-polar, at codon 64 of the CEP120 protein (p.Ala64Val). This variant is present in population databases (rs771158452, gnomAD 0.01%). This variant has not been reported in the literature in individuals affected with CEP120-related conditions. Advanced modeling of protein sequence and biophysical properties (such as structural, functional, and spatial information, amino acid conservation, physicochemical variation, residue mobility, and thermodynamic stability) performed at Invitae indicates that this missense variant is not expected to disrupt CEP120 protein function. In summary, the available evidence is currently insufficient to determine the role of this variant in disease. Therefore, it has been classified as a Variant of Uncertain Significance.